The following is an entry in ClinVar:

ClinVar aggregate classification (germline): Pathogenic (1 of 4 stars; one submission).

Conditions:
Mucopolysaccharidosis type 1. Also called: IDUA deficiency; MPS I; Mucopolysaccharidosis Type I. Identifiers: Orphanet 579, MedGen C0023786, MONDO:0001586.

Submission:

Myriad Genetics, Inc.
Classification: Pathogenic for Mucopolysaccharidosis type 1. Last evaluated: 2023-09-27. Review status: criteria provided, single submitter. Criteria: Myriad Autosomal Dominant, Autosomal Recessive and X-Linked Classification Criteria (2023). Collection method: clinical testing. Allele origin: unknown.
Comment: NM_000203.3(IDUA):c.1652dupT(T552Hfs*20) is expected to be pathogenic in the context of mucopolysaccharidosis type I. This variant is predicted to lead to an abnormal or absent protein product due to the creation of a premature termination codon in IDUA, a gene where loss-of-function variants are known to be pathogenic. Please note: this variant was assessed in the context of healthy population screening.

NM_000203.5(IDUA):c.1652dup (p.Thr552fs)

Gene: IDUA (alpha-L-iduronidase; plus strand). Cytogenetic location: 4p16.3.
Variant type: Duplication.
Coding change: c.1652dup on transcript NM_000203.5 (MANE Select); coding-DNA position 1652, one base duplicated (T; older notation c.1652dupT).
Protein change: p.Thr552fs; shifts the reading frame from threonine 552.
Molecular consequence: frameshift variant. On other transcripts: non-coding transcript variant (1).
Genome position (GRCh38, 1-based): chr4:1,003,550, T duplicated. VCF-style (leftmost placement, unchanged base first): chr4-1003549-G-GT. GRCh37 (hg19) VCF-style: chr4-997337-G-GT.
Other names: c.1256dup, p.Thr420fs (NM_001363576.1); short protein forms T420fs, T552fs.
Identifiers: ClinVar variation 5012121 (VCV005012121.1).
Genomic context (GRCh38, chr4:1,003,549, plus strand): 5'-ACCCGCGCCGCGGCCCGGACTCCCCTTCCCCGACGCCATCACAGCCCTTCCCTCCCCCAG[G>GT]TCACGCGGCTCCGCGCCCTGCCCCTGACCCAAGGGCAGCTGGTTCTGGTCTGGTCGGATG-3'